The following is an entry in ClinVar:

NM_001131016.2(CIZ1):c.1002C>T (p.Asp334=)

Gene: CIZ1 (CDKN1A interacting zinc finger protein 1; minus strand). Cytogenetic location: 9q34.11.
Variant type: single nucleotide variant.
Coding change: c.1002C>T on transcript NM_001131016.2 (MANE Select); coding-DNA position 1002, C replaced by T.
Protein change: p.Asp334=; no amino-acid change (aspartic acid 334 retained).
Molecular consequence: synonymous variant.
Genome position (GRCh38, 1-based): chr9:128,179,205, G>A on the plus strand (C>T on the coding strand, the complement: CIZ1 is on the minus strand). VCF-style: chr9-128179205-G-A. GRCh37 (hg19) VCF-style: chr9-130941484-G-A.
Other names: c.1002C>T, p.Asp334= (NM_001131015.2, NM_012127.3); c.987C>T, p.Asp329= (NM_001131017.2); c.930C>T, p.Asp310= (NM_001131018.2); c.1092C>T, p.Asp364= (NM_001257975.2); c.699C>T, p.Asp233= (NM_001257976.2).
Identifiers: ClinVar variation 3257341 (VCV003257341.17).

ClinVar aggregate classification (germline): Likely benign (1 of 4 stars; one submission).

gnomAD v4.1: 6 of 1,614,092 alleles (0.00037%); highest among the groups gnomAD compares: Non-Finnish European, 0.00051%; no homozygotes.

Submission:

CeGaT Center for Human Genetics Tuebingen
Classification: Likely benign. Last evaluated: 2024-07-01. Review status: criteria provided, single submitter. Criteria: CeGaT Center For Human Genetics Tuebingen Variant Classification Criteria Version 2. Collection method: clinical testing. Allele origin: germline. Affected: yes. Observed: 1 variant allele.
Comment: CIZ1: BP4, BP7